The following is an entry in ClinVar:

NM_000017.4(ACADS):c.700C>T (p.Arg234Trp)

Gene: ACADS (acyl-CoA dehydrogenase short chain; plus strand). Cytogenetic location: 12q24.31.
Variant type: single nucleotide variant.
Coding change: c.700C>T on transcript NM_000017.4 (MANE Select); coding-DNA position 700, C replaced by T.
Protein change: p.Arg234Trp; replaces arginine 234 with tryptophan.
Molecular consequence: missense variant.
Genome position (GRCh38, 1-based): chr12:120,738,355, C>T. VCF-style: chr12-120738355-C-T. GRCh37 (hg19) VCF-style: chr12-121176158-C-T.
Other names: c.688C>T, p.Arg230Trp (NM_001302554.2); short protein forms R234W, R230W.
Identifiers: ClinVar variation 552250 (VCV000552250.5), dbSNP rs532174593, ClinGen allele CA6831039.

ClinVar aggregate classification (germline): Uncertain significance. Review status: criteria provided, single submitter (1 of 4 stars). 2 submissions from 2 submitters: Uncertain significance (1). 1 of the submissions does not count toward it. Last evaluated 2025-03-09.

Conditions:
Deficiency of butyryl-CoA dehydrogenase (ACADSD). Also called: SCAD DEFICIENCY, MILD; ACYL-CoA DEHYDROGENASE, SHORT-CHAIN, DEFICIENCY OF; ACADS DEFICIENCY; Short-Chain Acyl-CoA Dehydrogenase Deficiency; SCAD Deficiency; SCADH DEFICIENCY. Identifiers: Orphanet 26792, MedGen C0342783, MONDO:0008722, OMIM 201470. Disease mechanism: May be benign.

Allele frequency attached by ClinVar (database versions not stated): TOPMed below 0.00001; gnomAD 0.00003; 1000 Genomes Project 30x 0.00016; 1000 Genomes Project 0.00020.
gnomAD v4.1: 52 of 1,614,178 alleles (0.0032%); highest among the groups gnomAD compares: Middle Eastern, 0.016%; no homozygotes.

Submissions (2):

Labcorp Genetics (formerly Invitae), Labcorp
Classification: Uncertain significance for Deficiency of butyryl-CoA dehydrogenase. Last evaluated: 2025-03-09. Review status: criteria provided, single submitter. Criteria: Invitae Variant Classification Sherloc (09022015). Collection method: clinical testing. Allele origin: germline.
Comment: This sequence change replaces arginine, which is basic and polar, with tryptophan, which is neutral and slightly polar, at codon 234 of the ACADS protein (p.Arg234Trp). This variant is present in population databases (rs532174593, gnomAD 0.02%). This missense change has been observed in individual(s) with short-chain acyl-coenzyme A dehydrogenase deficiency (PMID: 27051597). ClinVar contains an entry for this variant (Variation ID: 552250). Invitae Evidence Modeling of protein sequence and biophysical properties (such as structural, functional, and spatial information, amino acid conservation, physicochemical variation, residue mobility, and thermodynamic stability) indicates that this missense variant is expected to disrupt ACADS protein function with a positive predictive value of 80%. In summary, the available evidence is currently insufficient to determine the role of this variant in disease. Therefore, it has been classified as a Variant of Uncertain Significance.

Counsyl
Classification: Uncertain significance for Deficiency of butyryl-CoA dehydrogenase. Last evaluated: 2017-06-01. Review status: no assertion criteria provided. Collection method: clinical testing. Allele origin: unknown. Not counted in ClinVar's aggregate classification.

Literature cited by the submitters: PubMed 27051597 (cited by Labcorp Genetics (formerly Invitae), Labcorp and Counsyl).